The following is an entry in ClinVar:

NM_000186.4(CFH):c.2414-10T>C

Gene: CFH (complement factor H; plus strand). Cytogenetic location: 1q31.3.
Variant type: single nucleotide variant.
Coding change: c.2414-10T>C on transcript NM_000186.4 (MANE Select); 10 bases into the intron before coding-DNA position 2414, T replaced by C.
Molecular consequence: intron variant.
Genome position (GRCh38, 1-based): chr1:196,736,814, T>C. VCF-style: chr1-196736814-T-C. GRCh37 (hg19) VCF-style: chr1-196705944-T-C.
Identifiers: ClinVar variation 2861829 (VCV002861829.3), dbSNP rs2529531244, ClinGen allele CA2649645771.

ClinVar aggregate classification (germline): Uncertain significance (1 of 4 stars; one submission).

Submission:

Labcorp Genetics (formerly Invitae), Labcorp
Classification: Uncertain significance. Last evaluated: 2023-05-02. Review status: criteria provided, single submitter. Criteria: Invitae Variant Classification Sherloc (09022015). Collection method: clinical testing. Allele origin: germline.
Comment: In summary, the available evidence is currently insufficient to determine the role of this variant in disease. Therefore, it has been classified as a Variant of Uncertain Significance. Algorithms developed to predict the effect of sequence changes on RNA splicing suggest that this variant may disrupt the consensus splice site. This variant has not been reported in the literature in individuals affected with CFH-related conditions. This variant is not present in population databases (gnomAD no frequency). This sequence change falls in intron 15 of the CFH gene. It does not directly change the encoded amino acid sequence of the CFH protein.